The following is an entry in ClinVar:

NM_006017.3(PROM1):c.1564A>G (p.Lys522Glu)

Gene: PROM1 (prominin 1; minus strand). Cytogenetic location: 4p15.32.
Variant type: single nucleotide variant.
Coding change: c.1564A>G on transcript NM_006017.3 (MANE Select); coding-DNA position 1564, A replaced by G.
Protein change: p.Lys522Glu; replaces lysine 522 with glutamic acid.
Molecular consequence: missense variant.
Genome position (GRCh38, 1-based): chr4:16,000,510, T>C on the plus strand (A>G on the coding strand, the complement: PROM1 is on the minus strand). VCF-style: chr4-16000510-T-C. GRCh37 (hg19) VCF-style: chr4-16002133-T-C.
Other names: c.1564A>G (NM_006017.2); c.1537A>G, p.Lys513Glu (NM_001145847.2, NM_001145848.2, NM_001145851.2 and 4 more transcripts); c.1564A>G, p.Lys522Glu (NM_001145849.2, NM_001145850.2); short protein forms K513E, K522E.
Identifiers: ClinVar variation 2063106 (VCV002063106.5), dbSNP rs1723498434, ClinGen allele CA356432996.

ClinVar aggregate classification (germline): Uncertain significance. Review status: criteria provided, multiple submitters, no conflicts (2 of 4 stars). 2 submissions from 2 submitters: Uncertain significance (2). Last evaluated 2026-03-10.

Conditions:
Inborn genetic diseases. Identifiers: MedGen C0950123, MeSH D030342.

Allele frequency attached by ClinVar (database versions not stated): TOPMed below 0.00001.

Submissions (2):

Ambry Genetics
Classification: Uncertain significance for Inborn genetic diseases. Last evaluated: 2026-03-10. Review status: criteria provided, single submitter. Criteria: Ambry Variant Classification Scheme 2023. Collection method: clinical testing. Allele origin: germline.

Labcorp Genetics (formerly Invitae), Labcorp
Classification: Uncertain significance. Last evaluated: 2025-12-23. Review status: criteria provided, single submitter. Criteria: Invitae Variant Classification Sherloc (09022015). Collection method: clinical testing. Allele origin: germline.
Comment: This sequence change replaces lysine, which is basic and polar, with glutamic acid, which is acidic and polar, at codon 522 of the PROM1 protein (p.Lys522Glu). This variant is not present in population databases (gnomAD no frequency). This variant has not been reported in the literature in individuals affected with PROM1-related conditions. ClinVar contains an entry for this variant (Variation ID: 2063106). Invitae Evidence Modeling of protein sequence and biophysical properties (such as structural, functional, and spatial information, amino acid conservation, physicochemical variation, residue mobility, and thermodynamic stability) indicates that this missense variant is not expected to disrupt PROM1 protein function with a negative predictive value of 80%. In summary, the available evidence is currently insufficient to determine the role of this variant in disease. Therefore, it has been classified as a Variant of Uncertain Significance.